The following is an entry in ClinVar:

NM_001142864.4(PIEZO1):c.2664+5C>T

Genes: HSALR1 (HSP90AB1 associated lncRNA 1; plus strand), PIEZO1 (piezo type mechanosensitive ion channel component 1 (Er blood group); minus strand). Cytogenetic location: 16q24.3.
Variant type: single nucleotide variant.
Coding change: c.2664+5C>T on transcript NM_001142864.4 (MANE Select); 5 bases into the intron after coding-DNA position 2664, C replaced by T.
Molecular consequence: intron variant.
Genome position (GRCh38, 1-based): chr16:88,733,273, G>A on the plus strand (C>T on the coding strand, the complement: PIEZO1 is on the minus strand). VCF-style: chr16-88733273-G-A. GRCh37 (hg19) VCF-style: chr16-88799681-G-A.
Other names: p.?; c.2664+5C>T (NM_001142864.3).
Identifiers: ClinVar variation 3630387 (VCV003630387.5).

ClinVar aggregate classification (germline): Conflicting classifications of pathogenicity. Review status: criteria provided, conflicting classifications (1 of 4 stars). 4 submissions from 4 submitters: Uncertain significance (3); Likely benign (1). Last evaluated 2026-03-23.

Conditions:
PIEZO1-related disorder. Also called: PIEZO1-related condition; PIEZO1-Related Disorders.

gnomAD v4.1: 73 of 1,537,022 alleles (0.0047%); highest among the groups gnomAD compares: Admixed American, 0.047%; no homozygotes.

Submissions (4):

PreventionGenetics, part of Exact Sciences
Classification: Likely benign for PIEZO1-related condition. Last evaluated: 2026-03-23. Review status: criteria provided, single submitter. Criteria: ACMG Guidelines, 2015. Collection method: clinical testing. Allele origin: germline.
Comment: This variant is classified as likely benign based on ACMG/AMP sequence variant interpretation guidelines (Richards et al. 2015 PMID: 25741868, with internal and published modifications).

Mayo Clinic Laboratories, Mayo Clinic
Classification: Uncertain significance. Last evaluated: 2025-02-11. Review status: criteria provided, single submitter. Criteria: ACMG Guidelines, 2015. Collection method: clinical testing. Allele origin: germline. Observed: 1 variant allele.
Comment: PM2_supporting

Labcorp Genetics (formerly Invitae), Labcorp
Classification: Uncertain significance. Last evaluated: 2024-10-22. Review status: criteria provided, single submitter. Criteria: Invitae Variant Classification Sherloc (09022015). Collection method: clinical testing. Allele origin: germline.
Comment: This sequence change falls in intron 19 of the PIEZO1 gene. It does not directly change the encoded amino acid sequence of the PIEZO1 protein. It affects a nucleotide within the consensus splice site. This variant is present in population databases (no rsID available, gnomAD 0.06%). This variant has not been reported in the literature in individuals affected with PIEZO1-related conditions. Variants that disrupt the consensus splice site are a relatively common cause of aberrant splicing (PMID: 17576681, 9536098). Algorithms developed to predict the effect of sequence changes on RNA splicing suggest that this variant is not likely to affect RNA splicing. In summary, the available evidence is currently insufficient to determine the role of this variant in disease. Therefore, it has been classified as a Variant of Uncertain Significance.

ARUP Laboratories, Molecular Genetics and Genomics, ARUP Laboratories
Classification: Uncertain significance. Last evaluated: 2024-02-16. Review status: criteria provided, single submitter. Criteria: ARUP Molecular Germline Variant Investigation Process 2024. Collection method: clinical testing. Allele origin: germline.

Literature cited by the submitters: PubMed 17576681 (cited by Labcorp Genetics (formerly Invitae), Labcorp); PubMed 9536098 (cited by Labcorp Genetics (formerly Invitae), Labcorp).